The following is an entry in ClinVar:

ClinVar aggregate classification (germline): Uncertain significance. Review status: criteria provided, multiple submitters, no conflicts (2 of 4 stars). 3 submissions from 3 submitters: Uncertain significance (2). 1 of the submissions does not count toward it. Last evaluated 2026-01-06.

Conditions:
Inborn genetic diseases. Identifiers: MedGen C0950123, MeSH D030342.
Malignant hyperthermia of anesthesia. Also called: Anesthesic-triggered malignant hyperthermia. Identifiers: Orphanet 423, MedGen C0024591, MONDO:0018493, HP:0034733.

Allele frequency attached by ClinVar (database versions not stated): gnomAD 0.00009 and 0.00011; TOPMed 0.00022; gnomAD exomes 0.00006 and 0.00011; ExAC 0.00010.
gnomAD v4.1: 118 of 1,613,426 alleles (0.0073%); highest among the groups gnomAD compares: Middle Eastern, 0.099%; 1 homozygote.

Submissions (3):

Dasa
Classification: Uncertain significance. Last evaluated: 2026-01-06. Review status: criteria provided, single submitter. Criteria: DASA Assertion Criteria. Collection method: clinical testing. Allele origin: germline.
Comment: NM_004318.4(ASPH):c.248T>C (p.Val83Ala) is a missense variant that results in the substitution of valine with alanine. This variant has been reported in individuals with ASPH-related disorders (PMID: 35697689). Functional evidence supports an impact on the gene or gene product (PMID: 35697689). Also, this variant is rare in population databases. Computational prediction algorithms are consistent with a deleterious effect. The currently available literature and clinical evidence are not sufficient to establish a definitive association between this variant and the reported condition. Therefore, this variant is classified as a variant of uncertain significance.

Ambry Genetics
Classification: Uncertain significance for Inborn genetic diseases. Last evaluated: 2021-07-26. Review status: criteria provided, single submitter. Criteria: Ambry Variant Classification Scheme 2023. Collection method: clinical testing. Allele origin: germline.

James Dowling Lab, The Hospital For Sick Children
Classification: Pathogenic for Malignant hyperthermia susceptibility. Last evaluated: 2022-05-03. Review status: no assertion criteria provided. Collection method: research. Allele origin: germline. Affected: yes. Not counted in ClinVar's aggregate classification.

Literature cited by the submitters: PubMed 35697689 (cited by Dasa).

NM_004318.4(ASPH):c.248T>C (p.Val83Ala)

Gene: ASPH (aspartate beta-hydroxylase; minus strand). Cytogenetic location: 8q12.3.
Variant type: single nucleotide variant.
Coding change: c.248T>C on transcript NM_004318.4 (MANE Select); coding-DNA position 248, T replaced by C.
Protein change: p.Val83Ala; replaces valine 83 with alanine.
Molecular consequence: missense variant.
Genome position (GRCh38, 1-based): chr8:61,684,044, A>G on the plus strand (T>C on the coding strand, the complement: ASPH is on the minus strand). VCF-style: chr8-61684044-A-G. GRCh37 (hg19) VCF-style: chr8-62596603-A-G.
Other names: c.248T>C (NM_004318.3); c.161T>C, p.Val54Ala (NM_001164750.2, NM_001164751.2, NM_001164752.2 and 4 more transcripts); c.248T>C, p.Val83Ala (NM_001164754.2, NM_001164755.2, NM_001164756.2 and 1 more transcripts); short protein forms V54A, V83A.
Identifiers: ClinVar variation 1683483 (VCV001683483.6), dbSNP rs779765042, ClinGen allele CA4762508.